The following is an entry in ClinVar:

ClinVar aggregate classification (germline): Uncertain significance (1 of 4 stars; one submission).

Allele frequency attached by ClinVar (database versions not stated): gnomAD 0.00001.
gnomAD v4.1: 8 of 1,613,320 alleles (0.0005%); highest among the groups gnomAD compares: Admixed American, 0.0017%; no homozygotes.

Submission:

Labcorp Genetics (formerly Invitae), Labcorp
Classification: Uncertain significance. Last evaluated: 2021-11-22. Review status: criteria provided, single submitter. Criteria: Invitae Variant Classification Sherloc (09022015). Collection method: clinical testing. Allele origin: germline.
Comment: This variant has not been reported in the literature in individuals affected with PPCS-related conditions. This variant is present in population databases (no rsID available, gnomAD 0.003%). This sequence change replaces alanine, which is neutral and non-polar, with glycine, which is neutral and non-polar, at codon 86 of the PPCS protein (p.Ala86Gly). Algorithms developed to predict the effect of missense changes on protein structure and function are either unavailable or do not agree on the potential impact of this missense change (SIFT: "Tolerated"; PolyPhen-2: "Possibly Damaging"; Align-GVGD: "Class C0"). In summary, the available evidence is currently insufficient to determine the role of this variant in disease. Therefore, it has been classified as a Variant of Uncertain Significance.

NM_024664.4(PPCS):c.257C>G (p.Ala86Gly)

Genes: CCDC30 (coiled-coil domain containing 30; plus strand), PPCS (phosphopantothenoylcysteine synthetase; plus strand), LOC129930344 (ATAC-STARR-seq lymphoblastoid active region 894; plus strand). Cytogenetic location: 1p34.2.
Variant type: single nucleotide variant.
Coding change: c.257C>G on transcript NM_024664.4 (MANE Select); coding-DNA position 257, C replaced by G.
Protein change: p.Ala86Gly; replaces alanine 86 with glycine.
Molecular consequence: missense variant. On other transcripts: 5 prime UTR variant (1), intron variant (6).
Genome position (GRCh38, 1-based): chr1:42,456,822, C>G. VCF-style: chr1-42456822-C-G. GRCh37 (hg19) VCF-style: chr1-42922493-C-G.
Other names: c.-436C>G (NM_001287510.2); c.257C>G, p.Ala86Gly (NM_001287511.2); c.-984+323C>G (NM_001355226.2); c.-328+323C>G (NM_001287507.1); c.-12+323C>G (NM_001287506.1); c.-12+98C>G (NM_001287508.2); c.-12+194C>G (NM_001077447.3); c.-12+239C>G (NM_001287509.2); short protein forms A86G.
Identifiers: ClinVar variation 1476885 (VCV001476885.6), dbSNP rs1433340490, ClinGen allele CA339944548.